The following is an entry in ClinVar:

NM_004380.3(CREBBP):c.6624A>G (p.Gln2208=)

Gene: CREBBP (CREB binding lysine acetyltransferase; minus strand). Cytogenetic location: 16p13.3.
Variant type: single nucleotide variant.
Coding change: c.6624A>G on transcript NM_004380.3 (MANE Select); coding-DNA position 6624, A replaced by G.
Protein change: p.Gln2208=; no amino-acid change (glutamine 2208 retained).
Molecular consequence: synonymous variant.
Genome position (GRCh38, 1-based): chr16:3,728,423, T>C on the plus strand (A>G on the coding strand, the complement: CREBBP is on the minus strand). VCF-style: chr16-3728423-T-C. GRCh37 (hg19) VCF-style: chr16-3778424-T-C.
Other names: p.Gln2208=; c.6510A>G, p.Gln2170= (NM_001079846.1).
Identifiers: ClinVar variation 95064 (VCV000095064.30), dbSNP rs142545779, ClinGen allele CA148144.
Genomic context (GRCh38, chr16:3,728,423, plus strand): 5'-GTGCCCCGCCATGCCCCCAGCCATGCCGGCACTCCCTTGCTGCTGCTGCTGTTGCTGCTG[T>C]TGTTGCTGCTGCTGTTGCTGCTGCTGCTGCAGCAGCTGCCTCCGTAACATTTCTCGGTAC-3'
Protein context (NP_004371.2, residues 2198-2218): LQQQQQQQQQ[Gln2208=]QQQQQQQQGS

ClinVar aggregate classification (germline): Benign/Likely benign. Review status: criteria provided, multiple submitters, no conflicts (2 of 4 stars). 8 submissions from 8 submitters: Benign (7); Likely benign (1). Last evaluated 2026-01-25.

Conditions:
Rubinstein-Taybi syndrome due to CREBBP mutations (RSTS1). Also called: BROAD THUMB-HALLUX SYNDROME; Rubinstein-Taybi syndrome 1; RUBINSTEIN SYNDROME; CREBBP-Related Rubinstein-Taybi Syndrome; RUBINSTEIN-TAYBI SYNDROME 1, INCOMPLETE; BROAD THUMBS AND GREAT TOES, CHARACTERISTIC FACIES, AND IMPAIRED INTELLECTUAL DEVELOPMENT. Identifiers: Orphanet 353277, Orphanet 783, MedGen C4551859, MONDO:0008393, OMIM 180849.
Menke-Hennekam syndrome 1 (MKHK1). Identifiers: MedGen C5193034, MONDO:0020763, OMIM 618332.
Rubinstein-Taybi syndrome (RSTS). Identifiers: Orphanet 783, MedGen C0035934, MONDO:0019188.
Inborn genetic diseases. Identifiers: MedGen C0950123, MeSH D030342.

Allele frequency attached by ClinVar (database versions not stated): 1000 Genomes Project 0.00899; ESP Exome Variant Server 0.00947.
gnomAD v4.1: 3,037 of 1,612,536 alleles (0.19%); highest among the groups gnomAD compares: African/African-American, 3.1%; 47 homozygotes.

Submissions (8):

Labcorp Genetics (formerly Invitae), Labcorp
Classification: Benign for Rubinstein-Taybi syndrome. Last evaluated: 2026-01-25. Review status: criteria provided, single submitter. Criteria: Invitae Variant Classification Sherloc (09022015). Collection method: clinical testing. Allele origin: germline.

Mayo Clinic Laboratories, Mayo Clinic
Classification: Benign. Last evaluated: 2024-09-19. Review status: criteria provided, single submitter. Criteria: ACMG Guidelines, 2015. Collection method: clinical testing. Allele origin: germline. Observed: 3 variant alleles.
Comment: BS1, BS2, BP4, BP7

Fulgent Genetics
Classification: Likely benign for Rubinstein-Taybi syndrome due to CREBBP mutations; Menke-Hennekam syndrome 1. Last evaluated: 2022-01-29. Review status: criteria provided, single submitter. Criteria: ACMG Guidelines, 2015. Collection method: clinical testing. Allele origin: unknown.

Genetic Services Laboratory, University of Chicago
Classification: Benign. Last evaluated: 2021-11-24. Review status: criteria provided, single submitter. Criteria: ACMG Guidelines, 2015. Collection method: clinical testing. Allele origin: germline. Affected: no.

GeneDx
Classification: Benign. Last evaluated: 2020-12-07. Review status: criteria provided, single submitter. Criteria: GeneDx Variant Classification Process June 2021. Collection method: clinical testing. Allele origin: germline. Affected: yes.

Ambry Genetics
Classification: Benign for Inborn genetic diseases. Last evaluated: 2016-07-28. Review status: criteria provided, single submitter. Criteria: Ambry Variant Classification Scheme 2023. Collection method: clinical testing. Allele origin: germline.

Eurofins Ntd Llc (ga)
Classification: Benign. Last evaluated: 2013-03-18. Review status: criteria provided, single submitter. Criteria: EGL Classification Definitions 2015. Collection method: clinical testing. Allele origin: germline. Observed: 1 variant allele, 1 heterozygote.

Breakthrough Genomics
Classification: Benign. Review status: criteria provided, single submitter. Criteria: ACMG Guidelines, 2015. Collection method: not provided. Allele origin: germline. Inheritance: Autosomal dominant inheritance. Affected: yes.